The following is an entry in ClinVar:

ClinVar aggregate classification (germline): Uncertain significance. Review status: criteria provided, multiple submitters, no conflicts (2 of 4 stars). 3 submissions from 3 submitters: Uncertain significance (3). Last evaluated 2026-02-03.

Conditions:
ADGRV1-related disorder. Also called: ADGRV1-related condition; ADGRV1-related disorders.

Allele frequency attached by ClinVar (database versions not stated): gnomAD exomes below 0.00001; ExAC 0.00001; gnomAD 0.00001.
gnomAD v4.1: 1 of 1,613,200 alleles (0.000062%); highest among the groups gnomAD compares: Non-Finnish European, 0.000085%; no homozygotes.

Submissions (3):

PreventionGenetics, part of Exact Sciences
Classification: Uncertain significance for ADGRV1-related condition. Last evaluated: 2026-02-03. Review status: criteria provided, single submitter. Criteria: ACMG Guidelines, 2015. Collection method: clinical testing. Allele origin: germline.
Comment: The ADGRV1 c.4189T>C variant is predicted to result in the amino acid substitution p.Ser1397Pro. To our knowledge, this variant has not been reported in the literature. This variant is reported in 0.00089% of alleles in individuals of European (Non-Finnish) descent in gnomAD. At this time, the clinical significance of this variant is uncertain due to the absence of conclusive functional and genetic evidence.

GeneDx
Classification: Uncertain significance. Last evaluated: 2024-10-18. Review status: criteria provided, single submitter. Criteria: GeneDx Variant Classification Process June 2021. Collection method: clinical testing. Allele origin: germline. Affected: yes.
Comment: Not observed at significant frequency in large population cohorts (gnomAD); In silico analysis indicates that this missense variant does not alter protein structure/function; Has not been previously published as pathogenic or benign to our knowledge

Labcorp Genetics (formerly Invitae), Labcorp
Classification: Uncertain significance. Last evaluated: 2022-02-01. Review status: criteria provided, single submitter. Criteria: Invitae Variant Classification Sherloc (09022015). Collection method: clinical testing. Allele origin: germline.
Comment: This sequence change replaces serine, which is neutral and polar, with proline, which is neutral and non-polar, at codon 1397 of the ADGRV1 protein (p.Ser1397Pro). This variant is present in population databases (rs752518561, gnomAD 0.0009%). This variant has not been reported in the literature in individuals affected with ADGRV1-related conditions. ClinVar contains an entry for this variant (Variation ID: 1320468). Algorithms developed to predict the effect of missense changes on protein structure and function are either unavailable or do not agree on the potential impact of this missense change (SIFT: "Tolerated"; PolyPhen-2: "Possibly Damaging"; Align-GVGD: "Class C0"). In summary, the available evidence is currently insufficient to determine the role of this variant in disease. Therefore, it has been classified as a Variant of Uncertain Significance.

NM_032119.4(ADGRV1):c.4189T>C (p.Ser1397Pro)

Gene: ADGRV1 (adhesion G protein-coupled receptor V1; plus strand). Cytogenetic location: 5q14.3.
Variant type: single nucleotide variant.
Coding change: c.4189T>C on transcript NM_032119.4 (MANE Select); coding-DNA position 4189, T replaced by C.
Protein change: p.Ser1397Pro; replaces serine 1397 with proline.
Molecular consequence: missense variant. On other transcripts: non-coding transcript variant (1).
Genome position (GRCh38, 1-based): chr5:90,653,763, T>C. VCF-style: chr5-90653763-T-C. GRCh37 (hg19) VCF-style: chr5-89949580-T-C.
Other names: short protein forms S1397P.
Identifiers: ClinVar variation 1320468 (VCV001320468.8), dbSNP rs752518561, ClinGen allele CA3339305.
Genomic context (GRCh38, chr5:90,653,763, plus strand): 5'-GGTAATGGAAGCATCTACTACGGGGTAAAAATACAAACAAACGAATCCCATGTGACACTT[T>C]CCCTTCATTATAAAACCTTGGGTTCCAATGCTACATACATTGCCAAGACAACAGTCATGA-3'
Protein context (NP_115495.3, residues 1387-1407): IQTNESHVTL[Ser1397Pro]LHYKTLGSNA